The following is an entry in ClinVar:

NM_001042492.3(NF1):c.4174-1796T>C

Gene: NF1 (neurofibromin 1; plus strand). Cytogenetic location: 17q11.2.
Variant type: single nucleotide variant.
Coding change: c.4174-1796T>C on transcript NM_001042492.3 (MANE Select); 1796 bases into the intron before coding-DNA position 4174, T replaced by C.
Molecular consequence: intron variant.
Genome position (GRCh38, 1-based): chr17:31,256,548, T>C. VCF-style: chr17-31256548-T-C. GRCh37 (hg19) VCF-style: chr17-29583566-T-C.
Other names: c.4111-1796T>C (NM_000267.4).
Identifiers: ClinVar variation 3765817 (VCV003765817.1).

ClinVar aggregate classification (germline): Uncertain significance (1 of 4 stars; one submission).

Submission:

Greenwood Genetic Center Diagnostic Laboratories, Greenwood Genetic Center
Classification: Uncertain significance. Last evaluated: 2024-12-12. Review status: criteria provided, single submitter. Criteria: ACMG Guidelines, 2015. Collection method: clinical testing. Allele origin: germline. Affected: yes.
Comment: PM2, BP4